The following is an entry in ClinVar:

ClinVar aggregate classification (germline): Uncertain significance. Review status: criteria provided, multiple submitters, no conflicts (2 of 4 stars). 2 submissions from 2 submitters: Uncertain significance (2). Last evaluated 2025-01-26.

Allele frequency attached by ClinVar (database versions not stated): ExAC 0.00002; gnomAD 0.00007; gnomAD exomes 0.00007; TOPMed 0.00011; 1000 Genomes Project 30x 0.00016; 1000 Genomes Project 0.00020.
gnomAD v4.1: 117 of 1,613,084 alleles (0.0073%); highest among the groups gnomAD compares: Admixed American, 0.027%; no homozygotes.

Submissions (2):

Ambry Genetics
Classification: Uncertain significance. Last evaluated: 2025-01-26. Review status: criteria provided, single submitter. Criteria: Ambry Variant Classification Scheme 2023. Collection method: clinical testing. Allele origin: germline.

Labcorp Genetics (formerly Invitae), Labcorp
Classification: Uncertain significance. Last evaluated: 2022-08-09. Review status: criteria provided, single submitter. Criteria: Invitae Variant Classification Sherloc (09022015). Collection method: clinical testing. Allele origin: germline.
Comment: In summary, the available evidence is currently insufficient to determine the role of this variant in disease. Therefore, it has been classified as a Variant of Uncertain Significance. Algorithms developed to predict the effect of missense changes on protein structure and function output the following: SIFT: "Tolerated"; PolyPhen-2: "Benign"; Align-GVGD: "Class C0". The asparagine amino acid residue is found in multiple mammalian species, which suggests that this missense change does not adversely affect protein function. This variant has not been reported in the literature in individuals affected with EXOSC8-related conditions. This variant is present in population databases (rs542265577, gnomAD 0.02%). This sequence change replaces aspartic acid, which is acidic and polar, with asparagine, which is neutral and polar, at codon 143 of the EXOSC8 protein (p.Asp143Asn).

NM_181503.3(EXOSC8):c.427G>A (p.Asp143Asn)

Gene: EXOSC8 (exosome component 8; plus strand). Cytogenetic location: 13q13.3.
Variant type: single nucleotide variant.
Coding change: c.427G>A on transcript NM_181503.3 (MANE Select); coding-DNA position 427, G replaced by A.
Protein change: p.Asp143Asn; replaces aspartic acid 143 with asparagine.
Molecular consequence: missense variant.
Genome position (GRCh38, 1-based): chr13:37,007,011, G>A. VCF-style: chr13-37007011-G-A. GRCh37 (hg19) VCF-style: chr13-37581148-G-A.
Other names: c.427G>A (NM_181503.2); short protein forms D143N.
Identifiers: ClinVar variation 2085440 (VCV002085440.4), dbSNP rs542265577, ClinGen allele CA6951242.
Genomic context (GRCh38, chr13:37,007,011, plus strand): 5'-CTTTTGTGTTTAATTCTATTTTAGCTTGTCTGGGTTCTATACTGTGATCTCATTTGCCTC[G>A]ACTACGATGGAAACATTTTGGATGCCTGCACATTTGCTTTGCTAGCGGCTTTAAAAAATG-3'
Protein context (NP_852480.1, residues 133-153): WVLYCDLICL[Asp143Asn]YDGNILDACT